The following is an entry in ClinVar:

NM_000053.4(ATP7B):c.2862T>C (p.Phe954=)

Gene: ATP7B (ATPase copper transporting beta; minus strand). Cytogenetic location: 13q14.3.
Variant type: single nucleotide variant.
Coding change: c.2862T>C on transcript NM_000053.4 (MANE Select); coding-DNA position 2862, T replaced by C.
Protein change: p.Phe954=; no amino-acid change (phenylalanine 954 retained).
Molecular consequence: synonymous variant. On other transcripts: intron variant (1).
Genome position (GRCh38, 1-based): chr13:51,949,665, A>G on the plus strand (T>C on the coding strand, the complement: ATP7B is on the minus strand). VCF-style: chr13-51949665-A-G. GRCh37 (hg19) VCF-style: chr13-52523801-A-G.
Other names: c.2529T>C, p.Phe843= (NM_001243182.2); c.2628T>C, p.Phe876= (NM_001330578.2); c.2610T>C, p.Phe870= (NM_001330579.2); c.2244+342T>C (NM_001005918.3).
Identifiers: ClinVar variation 750872 (VCV000750872.13), dbSNP rs972405411, ClinGen allele CA250084731.

ClinVar aggregate classification (germline): Likely benign. Review status: criteria provided, multiple submitters, no conflicts (2 of 4 stars). 4 submissions from 4 submitters: Likely benign (4). Last evaluated 2025-06-25.

Conditions:
Wilson disease (WND). Also called: Wilson's disease. Identifiers: Orphanet 905, MedGen C0019202, MONDO:0010200, OMIM 277900. Disease mechanism: loss of function.

Allele frequency attached by ClinVar (database versions not stated): gnomAD exomes below 0.00001 and 0.00001; gnomAD 0.00001.
gnomAD v4.1: 16 of 1,613,798 alleles (0.00099%); highest among the groups gnomAD compares: African/African-American, 0.004%; no homozygotes.

Submissions (4):

Labcorp Genetics (formerly Invitae), Labcorp
Classification: Likely benign for Wilson disease. Last evaluated: 2025-06-25. Review status: criteria provided, single submitter. Criteria: Invitae Variant Classification Sherloc (09022015). Collection method: clinical testing. Allele origin: germline.

All of Us Research Program, National Institutes of Health
Classification: Likely benign for Wilson disease. Last evaluated: 2024-05-14. Review status: criteria provided, single submitter. Criteria: ACMG Guidelines, 2015. Collection method: clinical testing. Allele origin: germline. Inheritance: Autosomal recessive inheritance. Observed: 5 variant alleles, 5 heterozygotes.
Comment: This study involves interpretation of variants in research participants for the purpose of population health screening. Participant phenotype was not available at the time of variant classification. Additional details can be found in publication PMID: 35346344, PMCID: PMC8962531

Color Diagnostics, LLC DBA Color Health
Classification: Likely benign for Wilson disease. Last evaluated: 2022-04-22. Review status: criteria provided, single submitter. Criteria: ACMG Guidelines, 2015. Collection method: clinical testing. Allele origin: germline.

Breakthrough Genomics
Classification: Likely benign. Review status: criteria provided, single submitter. Criteria: ACMG Guidelines, 2015. Collection method: not provided. Allele origin: germline. Inheritance: Autosomal recessive inheritance. Affected: yes.